The following is an entry in ClinVar:

NM_000492.4(CFTR):c.2278A>T (p.Thr760Ser)

Gene: CFTR (CF transmembrane conductance regulator; plus strand). Cytogenetic location: 7q31.2.
Variant type: single nucleotide variant.
Coding change: c.2278A>T on transcript NM_000492.4 (MANE Select); coding-DNA position 2278, A replaced by T.
Protein change: p.Thr760Ser; replaces threonine 760 with serine.
Molecular consequence: missense variant.
Genome position (GRCh38, 1-based): chr7:117,592,445, A>T. VCF-style: chr7-117592445-A-T. GRCh37 (hg19) VCF-style: chr7-117232499-A-T.
Other names: short protein forms T760S.
Identifiers: ClinVar variation 3067514 (VCV003067514.21), dbSNP rs2485110419, ClinGen allele CA368980797.

ClinVar aggregate classification (germline): Uncertain significance (1 of 4 stars; one submission).

Submission:

CeGaT Center for Human Genetics Tuebingen
Classification: Uncertain significance. Last evaluated: 2024-02-01. Review status: criteria provided, single submitter. Criteria: CeGaT Center For Human Genetics Tuebingen Variant Classification Criteria Version 2. Collection method: clinical testing. Allele origin: germline. Affected: yes. Observed: 1 variant allele.
Comment: CFTR: PM2